The following is an entry in ClinVar:

NM_004655.4(AXIN2):c.696G>C (p.Glu232Asp)

Gene: AXIN2 (axin 2; minus strand). Cytogenetic location: 17q24.1.
Variant type: single nucleotide variant.
Coding change: c.696G>C on transcript NM_004655.4 (MANE Select); coding-DNA position 696, G replaced by C.
Protein change: p.Glu232Asp; replaces glutamic acid 232 with aspartic acid.
Molecular consequence: missense variant.
Genome position (GRCh38, 1-based): chr17:65,557,925, C>G on the plus strand (G>C on the coding strand, the complement: AXIN2 is on the minus strand). VCF-style: chr17-65557925-C-G. GRCh37 (hg19) VCF-style: chr17-63554043-C-G.
Other names: c.696G>C, p.Glu232Asp (NM_001363813.1); short protein forms E232D.
Identifiers: ClinVar variation 3659655 (VCV003659655.2).

ClinVar aggregate classification (germline): Uncertain significance (1 of 4 stars; one submission).

Conditions:
Oligodontia-cancer predisposition syndrome. Also called: TOOTH AGENESIS-COLORECTAL CANCER SYNDROME. Identifiers: Orphanet 300576, MedGen C1837750, MONDO:0012075, OMIM 608615. Disease mechanism: loss of function.

Submission:

Labcorp Genetics (formerly Invitae), Labcorp
Classification: Uncertain significance for Oligodontia-cancer predisposition syndrome. Last evaluated: 2024-07-16. Review status: criteria provided, single submitter. Criteria: Invitae Variant Classification Sherloc (09022015). Collection method: clinical testing. Allele origin: germline.
Comment: This sequence change replaces glutamic acid, which is acidic and polar, with aspartic acid, which is acidic and polar, at codon 232 of the AXIN2 protein (p.Glu232Asp). This variant is not present in population databases (gnomAD no frequency). This variant has not been reported in the literature in individuals affected with AXIN2-related conditions. Advanced modeling of protein sequence and biophysical properties (such as structural, functional, and spatial information, amino acid conservation, physicochemical variation, residue mobility, and thermodynamic stability) performed at Invitae indicates that this missense variant is not expected to disrupt AXIN2 protein function with a negative predictive value of 80%. In summary, the available evidence is currently insufficient to determine the role of this variant in disease. Therefore, it has been classified as a Variant of Uncertain Significance.